The following is an entry in ClinVar:

ClinVar aggregate classification (germline): Likely benign (1 of 4 stars; one submission).

Allele frequency attached by ClinVar (database versions not stated): gnomAD 0.00001.

Submission:

CeGaT Center for Human Genetics Tuebingen
Classification: Likely benign. Last evaluated: 2023-01-01. Review status: criteria provided, single submitter. Criteria: CeGaT Center For Human Genetics Tuebingen Variant Classification Criteria Version 2. Collection method: clinical testing. Allele origin: germline. Affected: yes. Observed: 1 variant allele.
Comment: MUC4: BP4, BP7

NM_018406.7(MUC4):c.10656T>A (p.Pro3552=)

Gene: MUC4 (mucin 4, cell surface associated). Cytogenetic location: 3q29.
Variant type: single nucleotide variant.
Coding change: c.10656T>A on transcript NM_018406.7 (MANE Select); coding-DNA position 10656, T replaced by A.
Protein change: p.Pro3552=; no amino-acid change (proline 3552 retained).
Molecular consequence: synonymous variant. On other transcripts: genic upstream transcript variant (2).
Genome position (GRCh38, 1-based): chr3:195,780,924, A>T on the plus strand (T>A on the coding strand, the complement: MUC4 is on the minus strand). VCF-style: chr3-195780924-A-T. GRCh37 (hg19) VCF-style: chr3-195507795-A-T.
Other names: c.15426T>A, p.Arg5142= (NM_001322468.1); c.83-6619T>A (NM_138297.5); c.83-2469T>A (NM_004532.6).
Identifiers: ClinVar variation 2654417 (VCV002654417.24), dbSNP rs1374394857, ClinGen allele CA438037418.